The following is an entry in ClinVar:

NM_002435.3(MPI):c.288_289delinsG (p.Phe96fs)

Gene: MPI (mannose phosphate isomerase; plus strand). Cytogenetic location: 15q24.1.
Variant type: Indel.
Coding change: c.288_289delinsG on transcript NM_002435.3 (MANE Select); coding-DNA positions 288 to 289, CC replaced by G.
Protein change: p.Phe96fs; shifts the reading frame from phenylalanine 96.
Molecular consequence: frameshift variant.
Genome position (GRCh38, 1-based): chr15:74,891,522-74,891,523, CC replaced by G. VCF-style: chr15-74891522-CC-G. GRCh37 (hg19) VCF-style: chr15-75183863-CC-G.
Other names: c.288_289delinsG, p.Phe96fs (NM_001289155.2, NM_001289157.2); c.138_139delinsG, p.Phe46fs (NM_001289156.2); c.228_229delinsG, p.Phe76fs (NM_001330372.2); short protein forms F46fs, F76fs, F96fs.
Identifiers: ClinVar variation 4815038 (VCV004815038.1).
Genomic context (GRCh38, chr15:74,891,522, plus strand): 5'-TGAGAACCAGGACAGCTTGGGCTCAAAGGTCAAGGACACCTTTAATGGCAACCTGCCCTT[CC>G]TCTTCAAAGTGCTCTCAGTTGAAACACCCCTGTCCATCCAGGCACACCCTAACAAGGTAA-3'

ClinVar aggregate classification (germline): Likely pathogenic (1 of 4 stars; one submission).

Conditions:
MPI-congenital disorder of glycosylation. Also called: CONGENITAL DISORDER OF GLYCOSYLATION, TYPE Ib; CDG Ib; MANNOSEPHOSPHATE ISOMERASE DEFICIENCY; PROTEIN-LOSING ENTEROPATHY-HEPATIC FIBROSIS SYNDROME; MPI-CDG; MPI DEFICIENCY. Identifiers: Orphanet 79319, MedGen C1865145, MONDO:0011257, OMIM 602579.

Submission:

Natera, Inc.
Classification: Likely pathogenic for Congenital disorder of glycosylation type 1b. Last evaluated: 2024-08-28. Review status: criteria provided, single submitter. Criteria: Natera Variant Classification Schema (03/2026). Collection method: clinical testing. Allele origin: germline.
Comment: The c.288_289delinsG variant in MPI is a frameshift variant predicted to shift the reading frame beginning at codon 96 and leads to a stop codon 63 codons downstream. This variant is expected to result in nonsense mediated decay, truncation, or a dysfunctional protein product. This variant is rare in the general population with a frequency below the threshold expected for the associated phenotype(s). Given the available evidence, this variant is classified as Likely Pathogenic.